The following is an entry in ClinVar:

NM_005076.5(CNTN2):c.2752A>G (p.Asn918Asp)

Genes: CNTN2 (contactin 2; plus strand), LOC126805985 (MED14-independent group 3 enhancer GRCh37_chr1:205041546-205042745; plus strand). Cytogenetic location: 1q32.1.
Variant type: single nucleotide variant.
Coding change: c.2752A>G on transcript NM_005076.5 (MANE Select); coding-DNA position 2752, A replaced by G.
Protein change: p.Asn918Asp; replaces asparagine 918 with aspartic acid.
Molecular consequence: missense variant. On other transcripts: non-coding transcript variant (1).
Genome position (GRCh38, 1-based): chr1:205,072,503, A>G. VCF-style: chr1-205072503-A-G. GRCh37 (hg19) VCF-style: chr1-205041631-A-G.
Other names: c.2752A>G, p.Asn918Asp (NM_001346083.2); short protein forms N918D.
Identifiers: ClinVar variation 1392463 (VCV001392463.8), dbSNP rs1160114127, ClinGen allele CA344382354.

ClinVar aggregate classification (germline): Uncertain significance (1 of 4 stars; one submission).

Conditions:
Epilepsy, familial adult myoclonic, 5 (EPEO5). Also called: CORTICAL MYOCLONIC TREMOR WITH EPILEPSY, FAMILIAL, 5. Identifiers: Orphanet 86814, MedGen C3809374, MONDO:0014167, OMIM 615400.

Allele frequency attached by ClinVar (database versions not stated): gnomAD 0.00001; gnomAD exomes 0.00001; TOPMed 0.00001.
gnomAD v4.1: 4 of 1,614,024 alleles (0.00025%); highest among the groups gnomAD compares: Admixed American, 0.0067%; no homozygotes.

Submission:

Labcorp Genetics (formerly Invitae), Labcorp
Classification: Uncertain significance for Epilepsy, familial adult myoclonic, 5. Last evaluated: 2022-01-13. Review status: criteria provided, single submitter. Criteria: Invitae Variant Classification Sherloc (09022015). Collection method: clinical testing. Allele origin: germline.
Comment: In summary, the available evidence is currently insufficient to determine the role of this variant in disease. Therefore, it has been classified as a Variant of Uncertain Significance. This sequence change replaces asparagine, which is neutral and polar, with aspartic acid, which is acidic and polar, at codon 918 of the CNTN2 protein (p.Asn918Asp). This variant is present in population databases (no rsID available, gnomAD 0.009%). This variant has not been reported in the literature in individuals affected with CNTN2-related conditions. Advanced modeling of protein sequence and biophysical properties (such as structural, functional, and spatial information, amino acid conservation, physicochemical variation, residue mobility, and thermodynamic stability) performed at Invitae indicates that this missense variant is not expected to disrupt CNTN2 protein function.